The following is an entry in ClinVar:

NM_000152.5(GAA):c.2155G>A (p.Ala719Thr)

Gene: GAA (alpha glucosidase; plus strand). Cytogenetic location: 17q25.3.
Variant type: single nucleotide variant.
Coding change: c.2155G>A on transcript NM_000152.5 (MANE Select); coding-DNA position 2155, G replaced by A.
Protein change: p.Ala719Thr; replaces alanine 719 with threonine.
Molecular consequence: missense variant.
Genome position (GRCh38, 1-based): chr17:80,113,332, G>A. VCF-style: chr17-80113332-G-A. GRCh37 (hg19) VCF-style: chr17-78087131-G-A.
Other names: c.2155G>A, p.Ala719Thr (NM_001079803.3, NM_001079804.3); short protein forms A719T.
Identifiers: ClinVar variation 286578 (VCV000286578.13), dbSNP rs143324027, ClinGen allele CA8815629.

ClinVar aggregate classification (germline): Uncertain significance. Review status: criteria provided, multiple submitters, no conflicts (2 of 4 stars). 6 submissions from 6 submitters: Uncertain significance (5). 1 of the submissions does not count toward it. Last evaluated 2026-07-01.

Conditions:
Glycogen storage disease, type II (IOPD). Also called: CARDIOMEGALIA GLYCOGENICA DIFFUSA; GLYCOGEN STORAGE DISEASE II, INFANTILE-ONSET; POMPE DISEASE, INFANTILE-ONSET; ACID ALPHA-GLUCOSIDASE DEFICIENCY, INFANTILE-ONSET; GAA DEFICIENCY, INFANTILE-ONSET; ACID MALTASE DEFICIENCY, INFANTILE-ONSET. Identifiers: Orphanet 365, MedGen C0017921, MONDO:0009290, OMIM 232300.

Allele frequency attached by ClinVar (database versions not stated): TOPMed 0.00002.

Submissions (6):

Genomenon, Inc
Classification: Uncertain significance for Glycogen storage disease, type II. Last evaluated: 2026-07-01. Review status: criteria provided, single submitter. Criteria: Genomenon Sequence Variant Interpretation Standards - Updated. Collection method: curation. Allele origin: germline. Affected: no.
Comment: GAA p.Ala719Thr (c.2155G>A) is a missense variant that changes the amino acid at codon 719 from Alanine to Threonine. This variant has been reported in the published literature (PMID:29149851). It is absent or not present at a significant frequency in gnomAD. In silico models predict that this variant is not damaging. In conclusion, we classify GAA p.Ala719Thr (c.2155G>A) as a variant of uncertain significance.

Labcorp Genetics (formerly Invitae), Labcorp
Classification: Uncertain significance for Glycogen storage disease, type II. Last evaluated: 2022-07-08. Review status: criteria provided, single submitter. Criteria: Invitae Variant Classification Sherloc (09022015). Collection method: clinical testing. Allele origin: germline.
Comment: This sequence change replaces alanine, which is neutral and non-polar, with threonine, which is neutral and polar, at codon 719 of the GAA protein (p.Ala719Thr). The frequency data for this variant in the population databases is considered unreliable, as metrics indicate poor data quality at this position in the gnomAD database. This missense change has been observed in individual(s) with glycogen storage disease type II (PMID: 29149851). ClinVar contains an entry for this variant (Variation ID: 286578). Advanced modeling of protein sequence and biophysical properties (such as structural, functional, and spatial information, amino acid conservation, physicochemical variation, residue mobility, and thermodynamic stability) performed at Invitae indicates that this missense variant is not expected to disrupt GAA protein function. In summary, the available evidence is currently insufficient to determine the role of this variant in disease. Therefore, it has been classified as a Variant of Uncertain Significance.

Genome-Nilou Lab
Classification: Uncertain significance for Glycogen storage disease, type II. Last evaluated: 2021-09-05. Review status: criteria provided, single submitter. Criteria: ACMG Guidelines, 2015. Collection method: clinical testing. Allele origin: germline. Affected: no.

Fulgent Genetics
Classification: Uncertain significance for Glycogen storage disease, type II. Last evaluated: 2021-07-20. Review status: criteria provided, single submitter. Criteria: ACMG Guidelines, 2015. Collection method: clinical testing. Allele origin: unknown.

Eurofins Ntd Llc (ga)
Classification: Uncertain significance. Last evaluated: 2016-03-04. Review status: criteria provided, single submitter. Criteria: EGL Classification Definitions 2015. Collection method: clinical testing. Allele origin: germline. Observed: 1 variant allele, 1 heterozygote.

Natera, Inc.
Classification: Uncertain significance for Glycogen storage disease type II. Last evaluated: 2020-09-16. Review status: no assertion criteria provided. Collection method: clinical testing. Allele origin: germline. Not counted in ClinVar's aggregate classification.

Literature cited by the submitters: PubMed 29149851 (cited by Genomenon, Inc and Labcorp Genetics (formerly Invitae), Labcorp).